The following is an entry in ClinVar:

ClinVar aggregate classification (germline): Uncertain significance (1 of 4 stars; one submission).

Conditions:
Charcot-Marie-Tooth disease type 4. Also called: Charcot-Marie-Tooth disease, type IV; Charcot-Marie-Tooth, Type 4. Identifiers: Orphanet 64749, MedGen C4082197, MONDO:0018995.

Allele frequency attached by ClinVar (database versions not stated): gnomAD 0.00001; gnomAD exomes 0.00001.
gnomAD v4.1: 11 of 1,614,022 alleles (0.00068%); highest among the groups gnomAD compares: Non-Finnish European, 0.00093%; no homozygotes.

Submission:

Labcorp Genetics (formerly Invitae), Labcorp
Classification: Uncertain significance for Charcot-Marie-Tooth disease type 4. Last evaluated: 2021-12-18. Review status: criteria provided, single submitter. Criteria: Invitae Variant Classification Sherloc (09022015). Collection method: clinical testing. Allele origin: germline.
Comment: This sequence change replaces arginine, which is basic and polar, with glycine, which is neutral and non-polar, at codon 1072 of the SBF2 protein (p.Arg1072Gly). This variant is not present in population databases (gnomAD no frequency). This variant has not been reported in the literature in individuals affected with SBF2-related conditions. Algorithms developed to predict the effect of missense changes on protein structure and function are either unavailable or do not agree on the potential impact of this missense change (SIFT: "Deleterious"; PolyPhen-2: "Benign"; Align-GVGD: "Class C0"). In summary, the available evidence is currently insufficient to determine the role of this variant in disease. Therefore, it has been classified as a Variant of Uncertain Significance.

NM_030962.4(SBF2):c.3214A>G (p.Arg1072Gly)

Genes: SBF2 (SET binding factor 2; minus strand), LOC101928008 (uncharacterized LOC101928008; plus strand). Cytogenetic location: 11p15.4.
Variant type: single nucleotide variant.
Coding change: c.3214A>G on transcript NM_030962.4 (MANE Select); coding-DNA position 3214, A replaced by G.
Protein change: p.Arg1072Gly; replaces arginine 1072 with glycine.
Molecular consequence: missense variant.
Genome position (GRCh38, 1-based): chr11:9,842,667, T>C on the plus strand (A>G on the coding strand, the complement: SBF2 is on the minus strand). VCF-style: chr11-9842667-T-C. GRCh37 (hg19) VCF-style: chr11-9864214-T-C.
Other names: c.3214A>G, p.Arg1072Gly (NM_001386339.1); c.3085A>G, p.Arg1029Gly (NM_001386342.1); short protein forms R1072G, R1029G.
Identifiers: ClinVar variation 2046312 (VCV002046312.1), dbSNP rs1342154806, ClinGen allele CA379630975.
Genomic context (GRCh38, chr11:9,842,667, plus strand): 5'-ATTCAAGTTTTCACATACCAGATACATCATCATCTTCATTCCATCCAGGACGATTTACTC[T>C]TTCTTCCACAATTGTCCCTGTCTTCTTCTTCAGTAAATATTGCCGCCCAATTGTCATTTT-3'
Protein context (NP_112224.1, residues 1062-1082): KKKTGTIVEE[Arg1072Gly]VNRPGWNEDD